The following is an entry in ClinVar:

ClinVar aggregate classification (germline): Uncertain significance (1 of 4 stars; one submission).

Conditions:
Deficiency of isobutyryl-CoA dehydrogenase. Also called: ACYL-CoA DEHYDROGENASE FAMILY, MEMBER 8, DEFICIENCY OF; IBD DEFICIENCY; ACAD8 DEFICIENCY. Identifiers: Orphanet 79159, MedGen C1969809, MONDO:0012648, OMIM 611283.

Submission:

Labcorp Genetics (formerly Invitae), Labcorp
Classification: Uncertain significance for Deficiency of isobutyryl-CoA dehydrogenase. Last evaluated: 2020-07-30. Review status: criteria provided, single submitter. Criteria: Invitae Variant Classification Sherloc (09022015). Collection method: clinical testing. Allele origin: germline.
Comment: In summary, the available evidence is currently insufficient to determine the role of this variant in disease. Therefore, it has been classified as a Variant of Uncertain Significance. Nucleotide substitutions within the consensus splice site are a relatively common cause of aberrant splicing (PMID: 17576681, 9536098). Algorithms developed to predict the effect of sequence changes on RNA splicing suggest that this variant may disrupt the consensus splice site, but this prediction has not been confirmed by published transcriptional studies. This variant has not been reported in the literature in individuals with ACAD8-related conditions. This variant is not present in population databases (ExAC no frequency). This sequence change affects an acceptor splice site in the last intron (intron 10) of the ACAD8 gene. While this is not anticipated to result in nonsense mediated decay, it likely alters RNA splicing and results in a disrupted protein product.

Literature cited by the submitters: PubMed 17576681; PubMed 9536098.

NM_014384.3(ACAD8):c.1196-4_1196-2del

Gene: ACAD8 (acyl-CoA dehydrogenase family member 8; plus strand). Cytogenetic location: 11q25.
Variant type: Deletion.
Coding change: c.1196-4_1196-2del on transcript NM_014384.3 (MANE Select); 4 bases into the intron before coding-DNA position 1196 through the canonical splice acceptor site of the intron before coding-DNA position 1196, 3 bases deleted (ACA; older notation c.1196-4_1196-2delACA).
Molecular consequence: splice acceptor variant.
Genome position (GRCh38, 1-based): chr11:134,264,904-134,264,906, ACA deleted. VCF-style (leftmost placement, unchanged base first): chr11-134264903-TACA-T. GRCh37 (hg19) VCF-style: chr11-134134797-TACA-T.
Identifiers: ClinVar variation 1016575 (VCV001016575.7), dbSNP rs1940101302, ClinGen allele CA2010877920.